The following is an entry in ClinVar:

NC_012920.1(MT-CO3):m.9353C>T

Gene: MT-CO3 (mitochondrially encoded cytochrome c oxidase III; plus strand).
Variant type: single nucleotide variant.
Genome position: chrM-9353-C-T.
Identifiers: ClinVar variation 235225 (VCV000235225.3), dbSNP rs878852986, ClinGen allele CA10581247.

ClinVar aggregate classification (germline): Uncertain significance (1 of 4 stars; one submission).

Submission:

Center for Pediatric Genomic Medicine, Children's Mercy Hospital and Clinics
Classification: Uncertain significance. Last evaluated: 2016-05-10. Review status: criteria provided, single submitter. Criteria: ACMG Guidelines, 2015. Collection method: clinical testing. Allele origin: germline.
ClinVar note: Converted during submission from Uncertain Significance to Uncertain significance.